The following is an entry in ClinVar:

NM_003280.3(TNNC1):c.455-6C>G

Gene: TNNC1 (troponin C1, slow skeletal and cardiac type; minus strand). Cytogenetic location: 3p21.1.
Variant type: single nucleotide variant.
Coding change: c.455-6C>G on transcript NM_003280.3 (MANE Select); 6 bases into the intron before coding-DNA position 455, C replaced by G.
Molecular consequence: intron variant.
Genome position (GRCh38, 1-based): chr3:52,451,312, G>C on the plus strand (C>G on the coding strand, the complement: TNNC1 is on the minus strand). VCF-style: chr3-52451312-G-C. GRCh37 (hg19) VCF-style: chr3-52485328-G-C.
Identifiers: ClinVar variation 948109 (VCV000948109.8), dbSNP rs1706318738, ClinGen allele CA1139656454.
Genomic context (GRCh38, chr3:52,451,312, plus strand): 5'-CAGCTCTGGGTGAAGGTCAGCATCTACTCCACACCCTTCATGAACTCCAGGAACTCTGTG[G>C]AAAGAGGGGCAGGTGTGGGTTGAGGGTAGGGGCTGGGCAGGGCATGGAGGCAGGAGATCA-3'

ClinVar aggregate classification (germline): Conflicting classifications of pathogenicity. Review status: criteria provided, conflicting classifications (1 of 4 stars). 2 submissions from 2 submitters: Uncertain significance (1); Likely benign (1). Last evaluated 2023-10-12.

Conditions:
Dilated cardiomyopathy 1Z (CMD1Z). Identifiers: Orphanet 154, MedGen C2678475, MONDO:0012745, OMIM 611879.
Hypertrophic cardiomyopathy 13. Also called: TNNC1-Related Familial Hypertrophic Cardiomyopathy. Identifiers: MedGen C2750472, MONDO:0013195, OMIM 613243.

Allele frequency attached by ClinVar (database versions not stated): gnomAD exomes below 0.00001; TOPMed below 0.00001.
gnomAD v4.1: 2 of 1,614,140 alleles (0.00012%); highest among the groups gnomAD compares: Admixed American, 0.0017%; no homozygotes.

Submissions (2):

Labcorp Genetics (formerly Invitae), Labcorp
Classification: Uncertain significance for Hypertrophic cardiomyopathy 13; Dilated cardiomyopathy 1Z. Last evaluated: 2023-10-12. Review status: criteria provided, single submitter. Criteria: Invitae Variant Classification Sherloc (09022015). Collection method: clinical testing. Allele origin: germline.
Comment: This sequence change falls in intron 5 of the TNNC1 gene. It does not directly change the encoded amino acid sequence of the TNNC1 protein. This variant is not present in population databases (gnomAD no frequency). This variant has not been reported in the literature in individuals affected with TNNC1-related conditions. ClinVar contains an entry for this variant (Variation ID: 948109). Algorithms developed to predict the effect of sequence changes on RNA splicing suggest that this variant may create or strengthen a splice site. In summary, the available evidence is currently insufficient to determine the role of this variant in disease. Therefore, it has been classified as a Variant of Uncertain Significance.

GeneDx
Classification: Likely benign. Last evaluated: 2019-12-16. Review status: criteria provided, single submitter. Criteria: GeneDx Variant Classification Process June 2021. Collection method: clinical testing. Allele origin: germline. Affected: yes.